The following is an entry in ClinVar:

NM_000540.3(RYR1):c.11990A>G (p.His3997Arg)

Gene: RYR1 (ryanodine receptor 1; plus strand). Cytogenetic location: 19q13.2.
Variant type: single nucleotide variant.
Coding change: c.11990A>G on transcript NM_000540.3 (MANE Select); coding-DNA position 11990, A replaced by G.
Protein change: p.His3997Arg; replaces histidine 3997 with arginine.
Molecular consequence: missense variant.
Genome position (GRCh38, 1-based): chr19:38,543,853, A>G. VCF-style: chr19-38543853-A-G. GRCh37 (hg19) VCF-style: chr19-39034493-A-G.
Other names: c.11975A>G, p.His3992Arg (NM_001042723.2); short protein forms H3992R, H3997R.
Identifiers: ClinVar variation 3391338 (VCV003391338.1).

ClinVar aggregate classification (germline): Uncertain significance (1 of 4 stars; one submission).

Conditions:
Central core myopathy (CMYO1A). Also called: CONGENITAL MYOPATHY 1A, AUTOSOMAL DOMINANT, WITH SUSCEPTIBILITY TO MALIGNANT HYPERTHERMIA; Central core disease; Myopathy, central fibrillar. Identifiers: Orphanet 597, MedGen C5830701, MONDO:0007294, OMIM 117000.

gnomAD v4.1: 1 of 1,613,754 alleles (0.000062%); highest among the groups gnomAD compares: Non-Finnish European, 0.000085%; no homozygotes.

Submission:

Neuberg Centre For Genomic Medicine, NCGM
Classification: Uncertain significance for Central core myopathy. Last evaluated: 2023-07-22. Review status: criteria provided, single submitter. Criteria: ACMG Guidelines, 2015. Collection method: clinical testing. Allele origin: germline. Inheritance: Autosomal dominant inheritance. Affected: yes.
Comment: The missense variant c.11990A>G p.His3997Arg in RYR1 gene has not been reported previously as a pathogenic variant nor as a benign variant, to our knowledge. The observed variant is absent in gnomAD exomes database. This variant has not been submitted to the ClinVar database. Multiple lines of computational evidence Polyphen - probably damaging, SIFT - damaging and MutationTaster - disease causing predict a damaging effect on protein structure and function for this variant. The amino acid change p.His3997Arg in RYR1 is predicted as conserved by GERP++ and PhyloP across 100 vertebrates. The amino acid His at position 3997 is changed to a Arg changing protein sequence and it might alter its composition and physico-chemical properties. For these reasons, this variant has been classified as Uncertain Significance VUS.